The following is an entry in ClinVar:

NM_002769.5(PRSS1):c.354A>C (p.Val118=)

Genes: PRSS1 (serine protease 1; plus strand), TRB (T cell receptor beta locus; plus strand). Cytogenetic location: 7q34.
Variant type: single nucleotide variant.
Coding change: c.354A>C on transcript NM_002769.5 (MANE Select); coding-DNA position 354, A replaced by C.
Protein change: p.Val118=; no amino-acid change (valine 118 retained).
Molecular consequence: synonymous variant.
Genome position (GRCh38, 1-based): chr7:142,751,927, A>C. VCF-style: chr7-142751927-A-C. GRCh37 (hg19) VCF-style: chr7-142459778-A-C.
Identifiers: ClinVar variation 161988 (VCV000161988.5), dbSNP rs606231347, ClinGen allele CA273023.

ClinVar aggregate classification (germline): Likely benign. Review status: criteria provided, multiple submitters, no conflicts (2 of 4 stars). 3 submissions from 3 submitters: Likely benign (2). 1 of the submissions does not count toward it. Last evaluated 2025-08-15.

Conditions:
Hereditary pancreatitis (PCTT). Also called: Hereditary chronic pancreatitis; PRSS1-Related Hereditary Pancreatitis. Identifiers: Orphanet 676, MedGen C0238339, MONDO:0008185, OMIM 167800.

Allele frequency attached by ClinVar (database versions not stated): ExAC 0.00012.

Submissions (3):

Labcorp Genetics (formerly Invitae), Labcorp
Classification: Likely benign for Hereditary pancreatitis. Last evaluated: 2025-08-15. Review status: criteria provided, single submitter. Criteria: Invitae Variant Classification Sherloc (09022015). Collection method: clinical testing. Allele origin: germline.

Ambry Genetics
Classification: Likely benign for Hereditary pancreatitis. Last evaluated: 2023-05-26. Review status: criteria provided, single submitter. Criteria: Ambry Variant Classification Scheme 2023. Collection method: clinical testing. Allele origin: germline.

Forschungslabor Klinik Innere Medizin A University Medicine Greifswald
Classification: Uncertain significance for Hereditary pancreatitis. Review status: no assertion criteria provided. Collection method: not provided. Allele origin: inherited. Not counted in ClinVar's aggregate classification.
Comment: Result of a ~70bp gene conversion between PRSS1 and PRSS3P2, giving rise to a triple mutant cationic Trypsinogen (p.S115T/p.R116P/p.R122H).
ClinVar note: Converted during submission from unknown to Uncertain significance.